The following is an entry in ClinVar:

NM_000026.4(ADSL):c.328G>A (p.Ala110Thr)

Gene: ADSL (adenylosuccinate lyase; plus strand). Cytogenetic location: 22q13.1.
Variant type: single nucleotide variant.
Coding change: c.328G>A on transcript NM_000026.4 (MANE Select); coding-DNA position 328, G replaced by A.
Protein change: p.Ala110Thr; replaces alanine 110 with threonine.
Molecular consequence: missense variant. On other transcripts: non-coding transcript variant (1).
Genome position (GRCh38, 1-based): chr22:40,350,006, G>A. VCF-style: chr22-40350006-G-A. GRCh37 (hg19) VCF-style: chr22-40746010-G-A.
Other names: c.328G>A, p.Ala110Thr (NM_001123378.3, NM_001363840.3, NM_001410812.1 and 2 more transcripts); c.136G>A, p.Ala46Thr (NM_001317923.2); short protein forms A46T, A110T.
Identifiers: ClinVar variation 2142954 (VCV002142954.4), dbSNP rs2518087183, ClinGen allele CA411635347.

ClinVar aggregate classification (germline): Uncertain significance (1 of 4 stars; one submission).

Conditions:
Adenylosuccinate lyase deficiency (ADSLD). Also called: ADSL DEFICIENCY. Identifiers: Orphanet 46, MedGen C0268126, MONDO:0007068, OMIM 103050.

Submission:

Labcorp Genetics (formerly Invitae), Labcorp
Classification: Uncertain significance for Adenylosuccinate lyase deficiency. Last evaluated: 2022-07-17. Review status: criteria provided, single submitter. Criteria: Invitae Variant Classification Sherloc (09022015). Collection method: clinical testing. Allele origin: germline.
Comment: In summary, the available evidence is currently insufficient to determine the role of this variant in disease. Therefore, it has been classified as a Variant of Uncertain Significance. Algorithms developed to predict the effect of sequence changes on RNA splicing suggest that this variant may disrupt the consensus splice site. Advanced modeling of protein sequence and biophysical properties (such as structural, functional, and spatial information, amino acid conservation, physicochemical variation, residue mobility, and thermodynamic stability) performed at Invitae indicates that this missense variant is expected to disrupt ADSL protein function. This variant has not been reported in the literature in individuals affected with ADSL-related conditions. This variant is not present in population databases (gnomAD no frequency). This sequence change replaces alanine, which is neutral and non-polar, with threonine, which is neutral and polar, at codon 110 of the ADSL protein (p.Ala110Thr).